The following is an entry in ClinVar:

ClinVar aggregate classification (germline): Uncertain significance (1 of 4 stars; one submission).

Conditions:
Autosomal recessive congenital ichthyosis 6 (ARCI6). Identifiers: Orphanet 313, Orphanet 79394, MedGen C2677065, MONDO:0012847, OMIM 612281.

Allele frequency attached by ClinVar (database versions not stated): TOPMed 0.00006; ESP Exome Variant Server 0.00008.
gnomAD v4.1: 8 of 1,606,054 alleles (0.0005%); highest among the groups gnomAD compares: African/African-American, 0.011%; no homozygotes.

Submission:

Baylor Genetics
Classification: Uncertain significance for Autosomal recessive congenital ichthyosis 6. Last evaluated: 2018-03-22. Review status: criteria provided, single submitter. Criteria: ACMG Guidelines, 2015. Collection method: clinical testing. Allele origin: paternal. Affected: yes.
Comment: This variant was determined to be of uncertain significance according to ACMG Guidelines, 2015 [PMID:25741868].

NM_001099287.2(NIPAL4):c.1057G>T (p.Ala353Ser)

Gene: NIPAL4 (NIPA like domain containing 4; plus strand). Cytogenetic location: 5q33.3.
Variant type: single nucleotide variant.
Coding change: c.1057G>T on transcript NM_001099287.2 (MANE Select); coding-DNA position 1057, G replaced by T.
Protein change: p.Ala353Ser; replaces alanine 353 with serine.
Molecular consequence: missense variant.
Genome position (GRCh38, 1-based): chr5:157,472,802, G>T. VCF-style: chr5-157472802-G-T. GRCh37 (hg19) VCF-style: chr5-156899810-G-T.
Other names: c.1000G>T, p.Ala334Ser (NM_001172292.2); short protein forms A353S, A396S, A334S, A415S.
Identifiers: ClinVar variation 1031827 (VCV001031827.1), dbSNP rs367993555, ClinGen allele CA3534776.